The following is an entry in ClinVar:

ClinVar aggregate classification (germline): Pathogenic (1 of 4 stars; one submission).

Conditions:
Neurofibromatosis, type 1 (NF1). Also called: Peripheral type neurofibromatosis; VON RECKLINGHAUSEN DISEASE; NEUROFIBROMATOSIS, TYPE I, SOMATIC; Neurofibromatosis, type I. Identifiers: Orphanet 636, MedGen C0027831, MONDO:0018975, OMIM 162200. Disease mechanism: loss of function.

Submission:

Labcorp Genetics (formerly Invitae), Labcorp
Classification: Pathogenic for Neurofibromatosis, type 1. Last evaluated: 2022-01-03. Review status: criteria provided, single submitter. Criteria: Invitae Variant Classification Sherloc (09022015). Collection method: clinical testing. Allele origin: germline.
Comment: For these reasons, this variant has been classified as Pathogenic. This variant disrupts a region of the NF1 protein in which other variant(s) (p.Leu357Pro) have been determined to be pathogenic (PMID: 10712197, 12566521, 19221814, 30530636). This suggests that this is a clinically significant region of the protein, and that variants that disrupt it are likely to be disease-causing. A similar copy number variant has been observed in individual(s) with clinical features of neurofibromatosis, type 1 (Invitae). This variant is a gross deletion of the genomic region encompassing exons 9-57 of the NF1 gene, which includes the termination codon. This deletion extends beyond the assayed region for this gene and therefore may encompass additional genes. While this deletion is not anticipated to lead to nonsense mediated decay, it is expected to alter mRNA translation or result in a truncated protein product.

Literature cited by the submitters: PubMed 10712197; PubMed 12566521; PubMed 19221814; PubMed 30530636.

NC_000017.10:g.(?_29527420)_(29701173_?)del

Genes: EVI2A (ecotropic viral integration site 2A; minus strand), EVI2B (ecotropic viral integration site 2B; minus strand), NF1 (neurofibromin 1; plus strand), OMG (oligodendrocyte myelin glycoprotein; minus strand). Cytogenetic location: 17q11.2.
Variant type: Deletion.
Identifiers: ClinVar variation 2422730 (VCV002422730.4).